The following is an entry in ClinVar:

NM_000535.7(PMS2):c.750C>T (p.Ser250=)

Gene: PMS2 (PMS1 homolog 2, mismatch repair system component; minus strand). Cytogenetic location: 7p22.1.
Variant type: single nucleotide variant.
Coding change: c.750C>T on transcript NM_000535.7 (MANE Select); coding-DNA position 750, C replaced by T.
Protein change: p.Ser250=; no amino-acid change (serine 250 retained).
Molecular consequence: synonymous variant. On other transcripts: 5 prime UTR variant (2), non-coding transcript variant (1).
Genome position (GRCh38, 1-based): chr7:5,997,379, G>A on the plus strand (C>T on the coding strand, the complement: PMS2 is on the minus strand). VCF-style: chr7-5997379-G-A. GRCh37 (hg19) VCF-style: chr7-6037010-G-A.
Other names: c.345C>T, p.Ser115= (NM_001322003.2, NM_001322004.2, NM_001322005.2 and 2 more transcripts); c.750C>T, p.Ser250= (NM_001322006.2, NM_001322014.2); c.432C>T, p.Ser144= (NM_001322007.2, NM_001322008.2); c.-184C>T (NM_001322011.2, NM_001322012.2); c.177C>T, p.Ser59= (NM_001322013.2); c.441C>T, p.Ser147= (NM_001322015.2).
Identifiers: ClinVar variation 186807 (VCV000186807.28), dbSNP rs200439295, ClinGen allele CA012736.
Genomic context (GRCh38, chr7:5,997,379, plus strand): 5'-TACTTACTAAAAAAGATTATGCAGAGCATCGGAACAGCTCAAACCGTACTCTTCACACAC[G>A]GAGTCACTAGGGGGCAGCTGAACAAAAGGAATGAGGCTTTGCAACTGAAAAAAAAAAAAA-3'
Protein context (NP_000526.2, residues 240-260): IPFVQLPPSD[Ser250=]VCEEYGLSCS

ClinVar aggregate classification (germline): Benign/Likely benign. Review status: criteria provided, multiple submitters, no conflicts (2 of 4 stars). 11 submissions from 11 submitters: Benign (1); Likely benign (9). 1 of the submissions does not count toward it. Last evaluated 2025-10-21.

Conditions:
Mismatch repair cancer syndrome 4. Identifiers: MedGen C5436817, MONDO:0030843, OMIM 619101.
Lynch syndrome 4 (LYNCH4). Also called: Colorectal cancer, hereditary nonpolyposis, type 4; Hereditary non-polyposis colorectal cancer, type 4. Identifiers: Orphanet 144, MedGen C1838333, MONDO:0013699, OMIM 614337. Disease mechanism: loss of function.
PMS2-related disorder. Also called: PMS2-related condition.
Hereditary nonpolyposis colorectal neoplasms. Identifiers: MedGen C0009405, MeSH D003123.
Hereditary cancer-predisposing syndrome. Also called: Neoplastic Syndromes, Hereditary; Tumor predisposition; Hereditary Cancer Syndrome; Hereditary neoplastic syndrome. Identifiers: Orphanet 140162, MedGen C0027672, MeSH D009386, MONDO:0015356.

Allele frequency attached by ClinVar (database versions not stated): gnomAD 0.00001; gnomAD exomes 0.00002; ExAC 0.00003; 1000 Genomes Project 30x 0.00016; 1000 Genomes Project 0.00020.

Submissions (11):

Labcorp Genetics (formerly Invitae), Labcorp
Classification: Likely benign for Hereditary nonpolyposis colorectal neoplasms. Last evaluated: 2025-10-21. Review status: criteria provided, single submitter. Criteria: Invitae Variant Classification Sherloc (09022015). Collection method: clinical testing. Allele origin: germline.

Quest Diagnostics Nichols Institute San Juan Capistrano
Classification: Likely benign. Last evaluated: 2025-04-16. Review status: criteria provided, single submitter. Criteria: Quest Diagnostics criteria. Collection method: clinical testing. Allele origin: unknown.

Center for Genomic Medicine, Rigshospitalet, Copenhagen University Hospital
Classification: Likely benign. Last evaluated: 2025-03-04. Review status: criteria provided, single submitter. Criteria: ACMG Guidelines, 2015. Collection method: clinical testing. Allele origin: germline.

Myriad Genetics, Inc.
Classification: Benign for Lynch syndrome 4. Last evaluated: 2025-01-28. Review status: criteria provided, single submitter. Criteria: Myriad Autosomal Dominant, Autosomal Recessive and X-Linked Classification Criteria (2023). Collection method: clinical testing. Allele origin: unknown.
Comment: This variant is considered benign. This variant is a silent/synonymous amino acid change and it is not expected to impact splicing.

Department of Pathology and Laboratory Medicine, Sinai Health System
Classification: Likely benign for Lynch syndrome 4; Mismatch repair cancer syndrome 4. Last evaluated: 2023-03-03. Review status: criteria provided, single submitter. Criteria: ACMG Guidelines, 2015. Collection method: clinical testing. Allele origin: germline. Affected: no.

Women's Health and Genetics/Laboratory Corporation of America, LabCorp
Classification: Likely benign. Last evaluated: 2019-08-29. Review status: criteria provided, single submitter. Criteria: LabCorp Variant Classification Summary - May 2015. Collection method: clinical testing. Allele origin: germline.

Mendelics
Classification: Likely benign for Lynch syndrome 4. Last evaluated: 2019-05-28. Review status: criteria provided, single submitter. Criteria: Mendelics Assertion Criteria 2017. Collection method: clinical testing. Allele origin: unknown.

GeneDx
Classification: Likely benign. Last evaluated: 2018-02-19. Review status: criteria provided, single submitter. Criteria: GeneDx Variant Classification (06012015). Collection method: clinical testing. Allele origin: germline. Affected: yes.
Comment: This variant is considered likely benign or benign based on one or more of the following criteria: it is a conservative change, it occurs at a poorly conserved position in the protein, it is predicted to be benign by multiple in silico algorithms, and/or has population frequency not consistent with disease.

Color Diagnostics, LLC DBA Color Health
Classification: Likely benign for Hereditary cancer-predisposing syndrome. Last evaluated: 2016-02-09. Review status: criteria provided, single submitter. Criteria: ACMG Guidelines, 2015. Collection method: clinical testing. Allele origin: germline.

Ambry Genetics
Classification: Likely benign for Hereditary cancer-predisposing syndrome. Last evaluated: 2014-10-13. Review status: criteria provided, single submitter. Criteria: Ambry Variant Classification Scheme 2023. Collection method: clinical testing. Allele origin: germline.

PreventionGenetics, part of Exact Sciences
Classification: Likely benign for PMS2-related condition. Last evaluated: 2022-03-09. Review status: no assertion criteria provided. Collection method: clinical testing. Allele origin: germline. Not counted in ClinVar's aggregate classification.
Comment: This variant is classified as likely benign based on ACMG/AMP sequence variant interpretation guidelines (Richards et al. 2015 PMID: 25741868, with internal and published modifications).